The following is an entry in ClinVar:

ClinVar aggregate classification (germline): Uncertain significance (1 of 4 stars; one submission).

Conditions:
Dyskeratosis congenita. Identifiers: Orphanet 1775, MedGen C0265965, MONDO:0015780.

Submission:

Labcorp Genetics (formerly Invitae), Labcorp
Classification: Uncertain significance for Dyskeratosis congenita. Last evaluated: 2025-07-16. Review status: criteria provided, single submitter. Criteria: Invitae Variant Classification Sherloc (09022015). Collection method: clinical testing. Allele origin: germline.
Comment: This sequence change creates a premature translational stop signal (p.Glu21Glyfs*69) in the NHP2 gene. It is expected to result in an absent or disrupted protein product. However, the current clinical and genetic evidence is not sufficient to establish whether loss-of-function variants in NHP2 cause disease. This variant is present in population databases (rs780613876, gnomAD 0.0009%). This variant has not been reported in the literature in individuals affected with NHP2-related conditions. ClinVar contains an entry for this variant (Variation ID: 1035914). In summary, the available evidence is currently insufficient to determine the role of this variant in disease. Therefore, it has been classified as a Variant of Uncertain Significance.

NM_017838.4(NHP2):c.61dup (p.Glu21fs)

Gene: NHP2 (NHP2 ribonucleoprotein; minus strand). Cytogenetic location: 5q35.3.
Variant type: Duplication.
Coding change: c.61dup on transcript NM_017838.4 (MANE Select); coding-DNA position 61, one base duplicated (G; older notation c.61dupG).
Protein change: p.Glu21fs; shifts the reading frame from glutamic acid 21.
Molecular consequence: frameshift variant.
Genome position (GRCh38, 1-based): chr5:178,153,757, C duplicated on the plus strand (G on the coding strand, the reverse complement: NHP2 is on the minus strand); the first of 4 consecutive C bases (chr5:178,153,757-178,153,760); duplicating any one gives the same sequence. VCF-style (leftmost placement, unchanged base first): chr5-178153756-T-TC. GRCh37 (hg19) VCF-style: chr5-177580757-T-TC.
Other names: c.61dup, p.Glu21fs (NM_001034833.2); short protein forms E21fs.
Identifiers: ClinVar variation 1035914 (VCV001035914.6), dbSNP rs780613876, ClinGen allele CA3589292.
Genomic context (GRCh38, chr5:178,153,756, plus strand): 5'-CGAGAAGCCAGGGGCTGCGCGATGGGGTTCTGGTTGACCAGCAGCTCCTGGTAGGTGCGC[T>TC]CCCCGGAACACGCCTCCGCCTGAGCCTCGGGCCCGTCGGGATCTGCCTTTATTTTGGTCA-3'